The following is an entry in ClinVar:

ClinVar aggregate classification (germline): Conflicting classifications of pathogenicity. Review status: criteria provided, conflicting classifications (1 of 4 stars). 4 submissions from 4 submitters: Uncertain significance (3); Likely benign (1). Last evaluated 2026-02-01.

Conditions:
Hypogonadotropic hypogonadism 5 with or without anosmia (KAL5). Also called: HYPOGONADOTROPIC HYPOGONADISM 5 WITH ANOSMIA; HYPOGONADOTROPHIC HYPOGONADISM 5 WITHOUT ANOSMIA; CHD7-Related GnRH Deficiency (Kallmann Syndrome 5). Identifiers: Orphanet 478, MedGen C3552553, MONDO:0012880, OMIM 612370. Disease mechanism: loss of function.
CHARGE syndrome (CHARGE). Also called: Coloboma, heart anomaly, choanal atresia, retardation, genital and ear anomalies; CHARGE association; Hall-Hittner syndrome; Hittner Hirsch Kreh syndrome; CHARGE ASSOCIATION--COLOBOMA, HEART ANOMALY, CHOANAL ATRESIA, RETARDATION, GENITAL AND EAR ANOMALIES. Identifiers: Orphanet 138, MedGen C0265354, MONDO:0008965.

Allele frequency attached by ClinVar (database versions not stated): gnomAD exomes below 0.00001 and 0.00001; TOPMed 0.00002.
gnomAD v4.1: 10 of 1,613,216 alleles (0.00062%); highest among the groups gnomAD compares: Non-Finnish European, 0.00059%; no homozygotes.

Submissions (4):

CeGaT Center for Human Genetics Tuebingen
Classification: Uncertain significance. Last evaluated: 2026-02-01. Review status: criteria provided, single submitter. Criteria: CeGaT Center For Human Genetics Tuebingen Variant Classification Criteria Version 2. Collection method: clinical testing. Allele origin: germline. Affected: yes. Observed: 1 variant allele.
Comment: CHD7: PM2

Labcorp Genetics (formerly Invitae), Labcorp
Classification: Likely benign for CHARGE syndrome. Last evaluated: 2025-12-15. Review status: criteria provided, single submitter. Criteria: Invitae Variant Classification Sherloc (09022015). Collection method: clinical testing. Allele origin: germline.

Fulgent Genetics
Classification: Uncertain significance for CHD7-related CHARGE syndrome; Hypogonadotropic hypogonadism 5 with or without anosmia. Last evaluated: 2024-03-05. Review status: criteria provided, single submitter. Criteria: ACMG Guidelines, 2015. Collection method: clinical testing. Allele origin: germline.

AiLife Diagnostics
Classification: Uncertain significance. Last evaluated: 2021-03-25. Review status: criteria provided, single submitter. Criteria: ACMG Guidelines, 2015. Collection method: clinical testing. Allele origin: germline. Affected: yes. Observed: 1 variant allele.

NM_017780.4(CHD7):c.3161G>A (p.Arg1054Gln)

Gene: CHD7 (chromodomain helicase DNA binding protein 7; plus strand). Cytogenetic location: 8q12.2.
Variant type: single nucleotide variant.
Coding change: c.3161G>A on transcript NM_017780.4 (MANE Select); coding-DNA position 3161, G replaced by A.
Protein change: p.Arg1054Gln; replaces arginine 1054 with glutamine.
Molecular consequence: missense variant. On other transcripts: intron variant (1).
Genome position (GRCh38, 1-based): chr8:60,822,706, G>A. VCF-style: chr8-60822706-G-A. GRCh37 (hg19) VCF-style: chr8-61735265-G-A.
Other names: c.1717-39523G>A (NM_001316690.1); short protein forms R1054Q.
Identifiers: ClinVar variation 1496560 (VCV001496560.15), dbSNP rs750203389, ClinGen allele CA177334798.
Genomic context (GRCh38, chr8:60,822,706, plus strand): 5'-AATTCCGAACCTGGACAGAGTTGAACGTGGTTGTGTATCATGGGAGTCAAGCTAGTCGTC[G>A]GACCATTCAGTTGTATGAAATGTACTTCAAAGATCCCCAGGTAAACCTTCACAGGTTGTA-3'
Protein context (NP_060250.2, residues 1044-1064): VVYHGSQASR[Arg1054Gln]TIQLYEMYFK